The following is an entry in ClinVar:

NM_182961.4(SYNE1):c.15918-49G>A

Gene: SYNE1 (spectrin repeat containing nuclear envelope protein 1; minus strand). Cytogenetic location: 6q25.2.
Variant type: single nucleotide variant.
Coding change: c.15918-49G>A on transcript NM_182961.4 (MANE Select); 49 bases into the intron before coding-DNA position 15918, G replaced by A.
Molecular consequence: intron variant.
Genome position (GRCh38, 1-based): chr6:152,321,935, C>T on the plus strand (G>A on the coding strand, the complement: SYNE1 is on the minus strand). VCF-style: chr6-152321935-C-T. GRCh37 (hg19) VCF-style: chr6-152643070-C-T.
Other names: c.15705-49G>A (NM_033071.5).
Identifiers: ClinVar variation 262166 (VCV000262166.3), dbSNP rs117623694, ClinGen allele CA4055653.

ClinVar aggregate classification (germline): Likely benign. Review status: criteria provided, multiple submitters, no conflicts (2 of 4 stars). 3 submissions from 3 submitters: Likely benign (3). Last evaluated 2018-06-19.

Allele frequency attached by ClinVar (database versions not stated): 1000 Genomes Project 0.01078; TOPMed 0.02405; gnomAD 0.02415 and 0.02488; 1000 Genomes Project 30x 0.01218; ESP Exome Variant Server 0.02976; ExAC 0.02414; gnomAD exomes 0.03597 and 0.02401.
gnomAD v4.1: 55,633 of 1,608,414 alleles (3.5%); highest among the groups gnomAD compares: Non-Finnish European, 4.2%; 1,149 homozygotes.

Submissions (3):

GeneDx
Classification: Likely benign. Last evaluated: 2018-06-19. Review status: criteria provided, single submitter. Criteria: GeneDx Variant Classification (06012015). Collection method: clinical testing. Allele origin: germline. Affected: yes.
Comment: This variant is considered likely benign or benign based on one or more of the following criteria: it is a conservative change, it occurs at a poorly conserved position in the protein, it is predicted to be benign by multiple in silico algorithms, and/or has population frequency not consistent with disease.

Breakthrough Genomics
Classification: Likely benign. Review status: criteria provided, single submitter. Criteria: ACMG Guidelines, 2015. Collection method: not provided. Allele origin: germline. Inheritance: Autosomal recessive inheritance. Affected: yes.

PreventionGenetics, part of Exact Sciences
Classification: Likely benign. Review status: criteria provided, single submitter. Criteria: ACMG Guidelines, 2015. Collection method: clinical testing. Allele origin: germline.